The following continues an entry in ClinVar:

NM_000303.3(PMM2):c.422G>A (p.Arg141His)

Gene: PMM2. ClinVar aggregate classification (germline): Pathogenic. Pathogenic (54).

Submissions 10 to 23 of 69:

Molecular Genetics Laboratory, BC Children's and BC Women's Hospitals
Classification: Pathogenic for PMM2-congenital disorder of glycosylation. Last evaluated: 2025-06-03. Review status: criteria provided, single submitter. Criteria: ACMG Guidelines, 2015. Collection method: clinical testing. Allele origin: unknown. Affected: yes.

First Genomix Gene Laboratory, Genetic Diagnostics Department
Classification: Pathogenic for PMM2-congenital disorder of glycosylation. Last evaluated: 2025-03-21. Review status: criteria provided, single submitter. Criteria: ACMG Guidelines, 2015. Collection method: clinical testing. Allele origin: germline. Inheritance: Autosomal recessive inheritance. Affected: no. Observed: 1 variant allele.

Variantyx, Inc.
Classification: Pathogenic for PMM2-congenital disorder of glycosylation. Last evaluated: 2025-03-11. Review status: criteria provided, single submitter. Criteria: Variantyx Assertion Criteria 2022. Collection method: clinical testing. Allele origin: germline. Affected: yes.
Comment: This is a nonsynonymous variant in the PMM2 gene (OMIM: 601785). Pathogenic variants in this gene have been associated with autosomal recessive congenital disorder of glycosylation type Ia. This variant has been identified in the compound heterozygous state in affected individuals from the published literature (PMID: 9140401, 10922383, 9497260, 11517108, 21541725) (PM3_Very_Strong). Functional studies have shown that this variant alters PMM2 protein function, and that homozygosity may be lethal (PMID: 10386614, 10602363, 16540464, 21541725, 26488408, 26014514, 9497260) (PS3_Very_Strong). Multiple computational algorithms predict a deleterious effect for this variant (REVEL score: 0.933) (PP3_Moderate). This variant has a 0.5656% maximum allele frequency in non-founder control populations (PM2_Supporting). Based on the current evidence, this variant is classified as pathogenic for autosomal recessive congenital disorder of glycosylation type Ia.

Center for Genomic Medicine, Rigshospitalet, Copenhagen University Hospital
Classification: Pathogenic. Last evaluated: 2025-03-04. Review status: criteria provided, single submitter. Criteria: ACMG Guidelines, 2015. Collection method: clinical testing. Allele origin: germline.

Laboratory of Genetics, Children's Clinical University Hospital Latvia
Classification: Pathogenic. Last evaluated: 2025-02-16. Review status: criteria provided, single submitter. Criteria: ACMG Guidelines, 2015. Collection method: clinical testing. Allele origin: germline. Affected: yes.

Blueprint Genetics
Classification: Pathogenic for PMM2-related disorders. Last evaluated: 2024-11-27. Review status: criteria provided, single submitter. Criteria: ACMG Guidelines, 2015. Collection method: clinical testing. Allele origin: germline. Affected: yes. Observed: 5 variant alleles.

Revvity Omics, Revvity
Classification: Pathogenic for PMM2-congenital disorder of glycosylation. Last evaluated: 2024-10-31. Review status: criteria provided, single submitter. Criteria: ACMG Guidelines, 2015. Collection method: clinical testing. Allele origin: germline.

ARUP Laboratories, Molecular Genetics and Genomics, ARUP Laboratories
Classification: Pathogenic for PMM2-congenital disorder of glycosylation. Last evaluated: 2024-10-11. Review status: criteria provided, single submitter. Criteria: ARUP Molecular Germline Variant Investigation Process 2024. Collection method: clinical testing. Allele origin: germline.
Comment: The PMM2 c.422G>A; p.Arg141His variant (rs28936415, ClinVar Variation ID: 7706) is the most common pathogenic variant reported individuals affected with PMM2-related disorders (selected references: Lam 2021, Matthijs 2000, Schollen 2000, Vega 2011). This variant is found in the general population with an overall allele frequency of 0.4% (891/224,376 alleles) in the Genome Aggregation Database (v2.1.1). Computational analyses predict that this variant is deleterious (REVEL: 0.933). The p.Arg141His variant is only observed in affected individuals in trans to a different pathogenic variant, suggesting that homozygosity for this variant is incompatible with life early in development. Consistent with these observations, functional studies suggest the residual enzymatic activity of the p.Arg141His variant protein is close to zero (Vega 2011). Based on available information, this variant is considered to be pathogenic. References: Lam C and Krasnewich DM. PMM2-CDG. GeneReviews. 2021. PMID: 20301289. Matthijs G et al. Mutations in PMM2 that cause congenital disorders of glycosylation, type Ia (CDG-Ia). Hum Mutat. 2000 Nov;16(5):386-94. PMID: 11058895. Schollen E et al. Lack of Hardy-Weinberg equilibrium for the most prevalent PMM2 mutation in CDG-Ia (congenital disorders of glycosylation type Ia). Eur J Hum Genet. 2000 May;8(5):367-71. PMID: 10854097. Vega AI et al. Expression analysis revealing destabilizing mutations in phosphomannomutase 2 deficiency (PMM2-CDG): expression analysis of PMM2-CDG mutations. J Inherit Metab Dis. 2011 Aug;34(4):929-39. PMID: 21541725.

Ambry Genetics
Classification: Pathogenic for Inborn genetic diseases. Last evaluated: 2024-07-30. Review status: criteria provided, single submitter. Criteria: Ambry Variant Classification Scheme 2023. Collection method: clinical testing. Allele origin: germline.
Comment: The c.422G>A (p.R141H) alteration is located in coding exon 5 of the PMM2 gene. This alteration results from a G to A substitution at nucleotide position 422, causing the arginine (R) at amino acid position 141 to be replaced by a histidine (H). Based on data from the Genome Aggregation Database (gnomAD) database, the PMM2 c.422G>A alteration was observed in 0.4% (891/224,376) of total alleles studied, with a frequency of 0.84% (177/21,196) in the European (Finnish) subpopulation. This missense alteration is the most frequent disease-causing PMM2 alteration and has been reported in several populations (Matthijs, 1997; Schollen, 2000; Vuillaumier-Barrot, 2000; Bohles, 2001; Quelhas, 2007). While the p.R141H alteration has been reported in compound heterozygosity with a second alteration in numerous patients with PMM2-related congenital disorder of glycosylation, no patients homozygous for this alteration have been reported, likely because it is a severe mutation and homozygosity would be lethal early in development (Matthijs, 1999). This amino acid position is highly conserved in available vertebrate species. The p.R141 amino acid is a crucial part of the distal phosphate binding site in the cap domain of &alpha;-PMM2, and loss of the positive charge at this location would impair substrate binding (Silvaggi, 2006). Functional analysis demonstrated that the PMM2 protein product harboring the p.R141H alteration has no residual enzymatic activity when expressed in vitro. Further, the p.R141H protein product had a shortened half-life compared to wild type protein, suggesting that the alteration affects protein stability (Vega, 2011). The p.R141H alteration is predicted to be deleterious by in silico analysis. Based on the available evidence, this alteration is classified as pathogenic.

Laboratoire de Génétique Moléculaire, CHU Bordeaux
Classification: Pathogenic for PMM2-congenital disorder of glycosylation. Last evaluated: 2024-07-01. Review status: criteria provided, single submitter. Criteria: ACMG Guidelines, 2015. Collection method: clinical testing. Allele origin: germline. Affected: yes.

3billion
Classification: Pathogenic for PMM2-congenital disorder of glycosylation. Last evaluated: 2024-06-02. Review status: criteria provided, single submitter. Criteria: ACMG Guidelines, 2015. Collection method: clinical testing. Allele origin: germline. Affected: yes.
Comment: The variant is observed at an extremely low frequency in the gnomAD v4.0.0 dataset (total allele frequency: 0.490%). Predicted Consequence/Location: Missense variant Functional studies provide supporting evidence of the variant having a damaging effect on the gene or gene product (PMID: 26014514). In silico tool predictions suggest damaging effect of the variant on gene or gene product [REVEL: 0.93 (>=0.6, sensitivity 0.68 and specificity 0.92); 3Cnet: 0.78 (>=0.6, sensitivity 0.72 and precision 0.9)]. The same nucleotide change resulting in the same amino acid change has been previously reported as pathogenic/likely pathogenic with strong evidence (ClinVar ID: VCV000007706 /PMID: 9140401). The variant has been reported to be in trans with a pathogenic variant as either compound heterozygous or homozygous in at least 4 similarly affected unrelated individuals (PMID: 21541725). A different missense change at the same codon (p.Arg141Cys) has been reported as pathogenic/likely pathogenic with strong evidence (ClinVar ID: VCV000550780 /PMID: 15844218). Therefore, this variant is classified as Pathogenic according to the recommendation of ACMG/AMP guideline.

Clinical Genomics Laboratory, Washington University in St. Louis
Classification: Pathogenic for PMM2-congenital disorder of glycosylation. Last evaluated: 2024-05-06. Review status: criteria provided, single submitter. Criteria: ACMG Guidelines, 2015. Collection method: clinical testing. Allele origin: germline. Affected: yes.
Comment: A PMM2 c.422G>A (p.Arg141His) variant was identified in a heterozygous state. This variant has been reported in numerous individuals with PMM2-related congenital disorders of glycosylation (Matthijs G et al., PMID: 9497260; Kjaergaard S et al., PMID: 11517108; Romano S et al., PMID: 19357119; Vega AI et al., PMID: 21541725; Barone R et al., PMID: 25355454; Matthijs G et al., PMID: 9140401; de Lonlay P et al., PMID: 11134235) and is one of the most frequent pathogenic variants in this gene. The PMM2 c.422G>A (p.Arg141His) variant has been reported in the ClinVar database as pathogenic by several submitters (ClinVar ID: 7706). The global population minor allele frequency in the population database genome aggregation database (v.2.1.1) is 0.4%, which is consistent with the carrier frequency for this disorder based on the recent estimated incidence of disease (Pajusalu S et al., PMID: 34447415). Computational predictors indicate that the variant is damaging, evidence that correlates with impact to PMM2 function. In support of this prediction, functional studies show that the p.Arg141His variant affects protein stability, indicating that this variant impacts protein function (Vega AI et al., PMID: 21541725; Yuste-Checa P et al., PMID: 26014514). Based on available information and the ACMG/AMP guidelines for variant interpretation (Richards S et al., PMID: 25741868), this variant is classified as pathogenic.

Genomic Medicine Center of Excellence, King Faisal Specialist Hospital and Research Centre
Classification: Pathogenic for PMM2-congenital disorder of glycosylation. Last evaluated: 2024-04-04. Review status: criteria provided, single submitter. Criteria: ACMG Guidelines, 2015. Collection method: clinical testing. Allele origin: germline.

Fulgent Genetics
Classification: Pathogenic for PMM2-congenital disorder of glycosylation. Last evaluated: 2024-04-01. Review status: criteria provided, single submitter. Criteria: ACMG Guidelines, 2015. Collection method: clinical testing. Allele origin: germline.